The following is an entry in ClinVar:

ClinVar aggregate classification (germline): Uncertain significance. Review status: criteria provided, single submitter (1 of 4 stars). 2 submissions from 2 submitters: Uncertain significance (1). 1 of the submissions does not count toward it. Last evaluated 2025-06-02.

Conditions:
Cohen syndrome (COH1). Also called: Cutis verticis gyrata, retinitis pigmentosa, and sensorineural deafness; PEPPER SYNDROME. Identifiers: Orphanet 193, MedGen C0265223, MONDO:0008999, OMIM 216550.
VPS13B-related disorder. Also called: VPS13B-related condition.

Submissions (2):

Labcorp Genetics (formerly Invitae), Labcorp
Classification: Uncertain significance for Cohen syndrome. Last evaluated: 2025-06-02. Review status: criteria provided, single submitter. Criteria: Invitae Variant Classification Sherloc (09022015). Collection method: clinical testing. Allele origin: germline.
Comment: This sequence change replaces tyrosine, which is neutral and polar, with histidine, which is basic and polar, at codon 359 of the VPS13B protein (p.Tyr359His). This variant is not present in population databases (gnomAD no frequency). This variant has not been reported in the literature in individuals affected with VPS13B-related conditions. ClinVar contains an entry for this variant (Variation ID: 2199206). Invitae Evidence Modeling of protein sequence and biophysical properties (such as structural, functional, and spatial information, amino acid conservation, physicochemical variation, residue mobility, and thermodynamic stability) has been performed for this missense variant. However, the output from this modeling did not meet the statistical confidence thresholds required to predict the impact of this variant on VPS13B protein function. In summary, the available evidence is currently insufficient to determine the role of this variant in disease. Therefore, it has been classified as a Variant of Uncertain Significance.

PreventionGenetics, part of Exact Sciences
Classification: Uncertain significance for VPS13B-related condition. Last evaluated: 2024-05-23. Review status: no assertion criteria provided. Collection method: clinical testing. Allele origin: germline. Not counted in ClinVar's aggregate classification.
Comment: The VPS13B c.1075T>C variant is predicted to result in the amino acid substitution p.Tyr359His. To our knowledge, this variant has not been reported in the literature or in a large population database, indicating this variant is rare. At this time, the clinical significance of this variant is uncertain due to the absence of conclusive functional and genetic evidence.

NM_152564.5(VPS13B):c.1075T>C (p.Tyr359His)

Gene: VPS13B (vacuolar protein sorting 13 homolog B; plus strand). Cytogenetic location: 8q22.2.
Variant type: single nucleotide variant.
Coding change: c.1075T>C on transcript NM_152564.5 (MANE Select); coding-DNA position 1075, T replaced by C.
Protein change: p.Tyr359His; replaces tyrosine 359 with histidine.
Molecular consequence: missense variant. On other transcripts: non-coding transcript variant (1).
Genome position (GRCh38, 1-based): chr8:99,121,314, T>C. VCF-style: chr8-99121314-T-C. GRCh37 (hg19) VCF-style: chr8-100133542-T-C.
Other names: c.1075T>C, p.Tyr359His (NM_015243.3, NM_017890.5, NM_181661.3); short protein forms Y359H.
Identifiers: ClinVar variation 2199206 (VCV002199206.3), dbSNP rs2488710488, ClinGen allele CA371861063.